The following is an entry in ClinVar:

NM_000388.4(CASR):c.2893_2895del (p.Lys965del)

Gene: CASR (calcium sensing receptor; plus strand). Cytogenetic location: 3q21.1.
Variant type: Deletion.
Coding change: c.2893_2895del on transcript NM_000388.4 (MANE Select); coding-DNA positions 2893 to 2895, 3 bases deleted (AAG; older notation c.2893_2895delAAG).
Protein change: p.Lys965del; deletes lysine 965.
Genome position (GRCh38, 1-based): chr3:122,284,847-122,284,849, AAG deleted; deleting any 3 consecutive bases within chr3:122,284,845-122,284,849 gives the same sequence; the c. name uses the placement nearest the transcript's 3' end. VCF-style (leftmost placement, unchanged base first): chr3-122284844-CAGA-C. GRCh37 (hg19) VCF-style: chr3-122003691-CAGA-C.
Other names: c.2923_2925del, p.Lys975del (NM_001178065.2); short protein forms K975del, K965del.
Identifiers: ClinVar variation 4784786 (VCV004784786.1).
Genomic context (GRCh38, chr3:122,284,844, plus strand): 5'-CAGCAGCAGCCCCTGACCCTCCCACAGCAGCAACGATCTCAGCAGCAGCCCAGATGCAAG[CAGA>C]AGGTCATCTTTGGCAGCGGCACGGTCACCTTCTCACTGAGCTTTGATGAGCCTCAGAAGA-3'

ClinVar aggregate classification (germline): Uncertain significance (1 of 4 stars; one submission).

Conditions:
Autosomal dominant hypocalcemia 1 (HYPOC1). Also called: HYPOCALCEMIA, FAMILIAL. Identifiers: MedGen C3715128, MONDO:0011013, OMIM 601198.
Familial hypocalciuric hypercalcemia (FHH). Also called: Familial benign hypercalcemia. Identifiers: Orphanet 405, MedGen C1809471, MONDO:0018458.

Submission:

Labcorp Genetics (formerly Invitae), Labcorp
Classification: Uncertain significance for Familial hypocalciuric hypercalcemia; Autosomal dominant hypocalcemia 1. Last evaluated: 2025-04-17. Review status: criteria provided, single submitter. Criteria: Invitae Variant Classification Sherloc (09022015). Collection method: clinical testing. Allele origin: germline.
Comment: This variant, c.2893_2895del, results in the deletion of 1 amino acid(s) of the CASR protein (p.Lys965del), but otherwise preserves the integrity of the reading frame. This variant is present in population databases (rs772776495, gnomAD 0.03%). This variant has not been reported in the literature in individuals affected with CASR-related conditions. Experimental studies and prediction algorithms are not available or were not evaluated, and the functional significance of this variant is currently unknown. In summary, the available evidence is currently insufficient to determine the role of this variant in disease. Therefore, it has been classified as a Variant of Uncertain Significance.